The following is an entry in ClinVar:

NM_177438.3(DICER1):c.1880_1883del (p.Ile627fs)

Gene: DICER1 (dicer 1, ribonuclease III; minus strand). Cytogenetic location: 14q32.13.
Variant type: Deletion.
Coding change: c.1880_1883del on transcript NM_177438.3 (MANE Select); coding-DNA positions 1880 to 1883, 4 bases deleted (TCAA; older notation c.1880_1883delTCAA).
Protein change: p.Ile627fs; shifts the reading frame from isoleucine 627.
Molecular consequence: frameshift variant.
Genome position (GRCh38, 1-based): chr14:95,115,691-95,115,694, TTGA deleted on the plus strand (TCAA on the coding strand, the reverse complement: DICER1 is on the minus strand); deleting any 4 consecutive bases within chr14:95,115,691-95,115,697 gives the same sequence; the c. name uses the placement nearest the transcript's 3' end. VCF-style (leftmost placement, unchanged base first): chr14-95115690-GTTGA-G. GRCh37 (hg19) VCF-style: chr14-95582027-GTTGA-G.
Other names: NM_030621.4(DICER1):c.1880_1883del; p.Ile627fs; c.1880_1883delTCAA (NM_177438.2); c.1880_1883del, p.Ile627fs (NM_001195573.1, NM_001271282.3, NM_001291628.2 and 1 more transcripts); short protein forms I627fs.
Identifiers: ClinVar variation 254298 (VCV000254298.11), dbSNP rs886037680, ClinGen allele CA10586449.

ClinVar aggregate classification (germline): Pathogenic. Review status: reviewed by expert panel (3 of 4 stars). 5 submissions from 5 submitters: Pathogenic (1). 4 of the submissions do not count toward it. Last evaluated 2022-05-18.

Conditions:
DICER1-related tumor predisposition. Also called: DICER1 syndrome; DICER1-related pleuropulmonary blastoma cancer predisposition syndrome. Identifiers: Orphanet 284343, MedGen C3839822, MONDO:0100216.
Hereditary cancer-predisposing syndrome. Also called: Tumor predisposition; Hereditary Cancer Syndrome; Neoplastic Syndromes, Hereditary; Hereditary neoplastic syndrome. Identifiers: Orphanet 140162, MedGen C0027672, MeSH D009386, MONDO:0015356.

Submissions (5):

ClinGen DICER1 and miRNA-Processing Gene Variant Curation Expert Panel, ClinGen
Classification: Pathogenic for DICER1-related tumor predisposition. Last evaluated: 2022-05-18. Review status: reviewed by expert panel. Criteria: ClinGen DICER1 ACMG Specifications DICER1 v1. Collection method: curation. Allele origin: germline. Inheritance: Autosomal dominant inheritance.
Comment: NM_177438.2(DICER1):c.1880_1883del (p.Ile627fs) variant in DICER1 is a frameshift variant predicted to cause a premature stop codon in biologically relevant exon 11/27 leading to nonsense mediated decay in a gene in which loss-of-function is an established disease mechanism (PVS1). This variant received a total of 1 phenotype point across 1 unrelated probands/families meeting DICER1 VCEP phenotype specificity scoring criteria of 1-1.5 points (PS4_Supporting; PMIDs 26925222, ClinVar SCVs: SCV000581520.4, SCV000571419.5). The variant has been reported to segregate with disease in multiple affected family members, with 3 meioses from 1 family (PP1; ClinVar SCVs: SCV000581520.4). This variant is absent from gnomAD v2.1.1 and v3.1.1 (non-cancer)(PM2_Supporting). In summary, this variant meets the criteria to be classified as Pathogenic for DICER1 syndrome based on the ACMG/AMP criteria applied, as specified by the ClinGen DICER1 VCEP: PVS1, PS4_Supporting, PP1, PM2_Supporting (Bayesian Points: 11; VCEP specifications version 1; 02/11/2022).

GeneDx
Classification: Pathogenic. Last evaluated: 2025-06-13. Review status: criteria provided, single submitter. Criteria: GeneDx Variant Classification Process June 2021. Collection method: clinical testing. Allele origin: germline. Affected: yes. Not counted in ClinVar's aggregate classification.
Comment: Frameshift variant predicted to result in protein truncation or nonsense mediated decay in a gene for which loss-of-function is a known mechanism of disease; Not observed in large population cohorts (gnomAD); This variant is associated with the following publications: (PMID: 26925222, 34308104)

Foulkes Cancer Genetics LDI, Lady Davis Institute for Medical Research
Classification: Pathogenic for Pleuropulmonary blastoma. Last evaluated: 2019-07-01. Review status: criteria provided, single submitter. Criteria: ACMG Guidelines, 2015. Collection method: curation. Allele origin: germline. Affected: yes. Observed: 1 variant allele. Not counted in ClinVar's aggregate classification.
Comment: ACMG criteria met: PVS1, PM2, PP4

International Pleuropulmonary Blastoma Registry, Children's Hospitals and Clinics of Minnesota
Classification: Pathogenic for Pleuropulmonary blastoma. Last evaluated: 2014-11-10. Review status: criteria provided, single submitter. Criteria: Hill et al. (Science. 2009). Collection method: clinical testing. Allele origin: germline. Affected: yes. Study: PPB-DICER1 Genetic study. Not counted in ClinVar's aggregate classification.

Ambry Genetics
Classification: Pathogenic for Hereditary cancer-predisposing syndrome. Last evaluated: 2013-09-16. Review status: criteria provided, single submitter. Criteria: Ambry Autosomal Dominant and X-Linked criteria (10/2015). Collection method: clinical testing. Allele origin: germline. Observed: 1 variant allele. Not counted in ClinVar's aggregate classification.
Comment: Ã¢â‚¬â€¹The c.1880_1883delTCAA pathogenic mutation, located in coding exon 10 of the DICER1 gene, results from a deletion of 4 nucleotides between positions 1880 and 1883, causing a translational frameshift with a predicted alternate stop codon. Since frameshifts are typically deleterious in nature, this alteration is interpreted as a disease-causing mutation (ACMG Recommendations for Standards for Interpretation and Reporting of Sequence Variations. Revision 2007. Genet Med. 2008;10:294).

Literature cited by the submitters: PubMed 26925222 (cited by Foulkes Cancer Genetics LDI, Lady Davis Institute for Medical Research and International Pleuropulmonary Blastoma Registry, Children's Hospitals and Clinics of Minnesota).